The following is an entry in ClinVar:

ClinVar aggregate classification (germline): Uncertain significance (1 of 4 stars; one submission).

Submission:

Ambry Genetics
Classification: Uncertain significance. Last evaluated: 2022-12-23. Review status: criteria provided, single submitter. Criteria: Ambry Variant Classification Scheme 2023. Collection method: clinical testing. Allele origin: germline.
Comment: The p.R1607T variant (also known as c.4820G>C), located in coding exon 4 of the ALPK2 gene, results from a G to C substitution at nucleotide position 4820. The arginine at codon 1607 is replaced by threonine, an amino acid with similar properties. This amino acid position is conserved. In addition, this alteration is predicted to be tolerated by in silico analysis. Since supporting evidence is limited at this time, the clinical significance of this alteration remains unclear.

NM_052947.4(ALPK2):c.4820G>C (p.Arg1607Thr)

Genes: ALPK2 (alpha kinase 2; minus strand), LOC126862764 (BRD4-independent group 4 enhancer GRCh37_chr18:56202574-56203773; plus strand). Cytogenetic location: 18q21.31.
Variant type: single nucleotide variant.
Coding change: c.4820G>C on transcript NM_052947.4 (MANE Select); coding-DNA position 4820, G replaced by C.
Protein change: p.Arg1607Thr; replaces arginine 1607 with threonine.
Molecular consequence: missense variant.
Genome position (GRCh38, 1-based): chr18:58,535,367, C>G on the plus strand (G>C on the coding strand, the complement: ALPK2 is on the minus strand). VCF-style: chr18-58535367-C-G. GRCh37 (hg19) VCF-style: chr18-56202599-C-G.
Other names: short protein forms R1607T.
Identifiers: ClinVar variation 2449239 (VCV002449239.2), dbSNP rs2518874002, ClinGen allele CA402559666.